The following is an entry in ClinVar:

ClinVar aggregate classification (germline): Uncertain significance. Review status: criteria provided, multiple submitters, no conflicts (2 of 4 stars). 3 submissions from 3 submitters: Uncertain significance (2). 1 of the submissions does not count toward it. Last evaluated 2022-06-07.

Conditions:
Glycine encephalopathy. Also called: Non-ketotic hyperglycinemia; Nonketotic hyperglycinemia. Identifiers: Orphanet 407, MedGen C0751748, MONDO:0011612, HP:0008288.

Allele frequency attached by ClinVar (database versions not stated): TOPMed below 0.00001.
gnomAD v4.1: 6 of 1,607,876 alleles (0.00037%); highest among the groups gnomAD compares: Non-Finnish European, 0.00043%; no homozygotes.

Submissions (3):

Labcorp Genetics (formerly Invitae), Labcorp
Classification: Uncertain significance for Glycine encephalopathy. Last evaluated: 2022-06-07. Review status: criteria provided, single submitter. Criteria: Invitae Variant Classification Sherloc (09022015). Collection method: clinical testing. Allele origin: germline.
Comment: This sequence change replaces histidine, which is basic and polar, with arginine, which is basic and polar, at codon 959 of the GLDC protein (p.His959Arg). This variant is not present in population databases (gnomAD no frequency). This variant has not been reported in the literature in individuals affected with GLDC-related conditions. ClinVar contains an entry for this variant (Variation ID: 804871). Advanced modeling of protein sequence and biophysical properties (such as structural, functional, and spatial information, amino acid conservation, physicochemical variation, residue mobility, and thermodynamic stability) performed at Invitae indicates that this missense variant is not expected to disrupt GLDC protein function. In summary, the available evidence is currently insufficient to determine the role of this variant in disease. Therefore, it has been classified as a Variant of Uncertain Significance.

Athena Diagnostics
Classification: Uncertain significance. Last evaluated: 2018-10-30. Review status: criteria provided, single submitter. Criteria: Athena Diagnostics Criteria. Collection method: clinical testing. Allele origin: germline.

Natera, Inc.
Classification: Uncertain significance for Non-ketotic hyperglycinemia. Last evaluated: 2021-02-08. Review status: no assertion criteria provided. Collection method: clinical testing. Allele origin: germline. Not counted in ClinVar's aggregate classification.

NM_000170.3(GLDC):c.2876A>G (p.His959Arg)

Gene: GLDC (glycine decarboxylase; minus strand). Cytogenetic location: 9p24.1.
Variant type: single nucleotide variant.
Coding change: c.2876A>G on transcript NM_000170.3 (MANE Select); coding-DNA position 2876, A replaced by G.
Protein change: p.His959Arg; replaces histidine 959 with arginine.
Molecular consequence: missense variant.
Genome position (GRCh38, 1-based): chr9:6,534,751, T>C on the plus strand (A>G on the coding strand, the complement: GLDC is on the minus strand). VCF-style: chr9-6534751-T-C. GRCh37 (hg19) VCF-style: chr9-6534751-T-C.
Other names: short protein forms H959R.
Identifiers: ClinVar variation 804871 (VCV000804871.10), dbSNP rs572523552, ClinGen allele CA372882116.
Genomic context (GRCh38, chr9:6,534,751, plus strand): 5'-AGATTCAGAGAACTTACGAGTGGGAATGCTGCCACCTCTCTGGAATAAGGCCGGTCCCAG[T>C]GGGAAGATGTAACGCAGGTCAGGGAGTGTGGAGACATCTGAGACAGAGACACGGACAGAG-3'
Protein context (NP_000161.2, residues 949-969): PHSLTCVTSS[His959Arg]WDRPYSREVA